The following is an entry in ClinVar:

ClinVar aggregate classification (germline): Uncertain significance (0 of 4 stars; one submission).

Conditions:
HSF4-related disorder. Also called: HSF4-related condition.

Submission:

PreventionGenetics, part of Exact Sciences
Classification: Uncertain significance for HSF4-related condition. Last evaluated: 2024-04-23. Review status: no assertion criteria provided. Collection method: clinical testing. Allele origin: germline.
Comment: The HSF4 c.352C>G variant is predicted to result in the amino acid substitution p.Arg118Gly. To our knowledge, this variant has not been reported in the literature or in a large population database, indicating this variant is rare. At this time, the clinical significance of this variant is uncertain due to the absence of conclusive functional and genetic evidence.

NM_001374675.1(HSF4):c.352C>G (p.Arg118Gly)

Gene: HSF4 (heat shock transcription factor 4; plus strand). Cytogenetic location: 16q22.1.
Variant type: single nucleotide variant.
Coding change: c.352C>G on transcript NM_001374675.1 (MANE Select); coding-DNA position 352, C replaced by G.
Protein change: p.Arg118Gly; replaces arginine 118 with glycine.
Molecular consequence: missense variant.
Genome position (GRCh38, 1-based): chr16:67,165,838, C>G. VCF-style: chr16-67165838-C-G. GRCh37 (hg19) VCF-style: chr16-67199741-C-G.
Other names: c.352C>G, p.Arg118Gly (NM_001040667.3, NM_001374674.1, NM_001538.4); short protein forms R118G.
Identifiers: ClinVar variation 3344292 (VCV003344292.1).